The following is an entry in ClinVar:

ClinVar aggregate classification (germline): Benign/Likely benign. Review status: criteria provided, multiple submitters, no conflicts (2 of 4 stars). 4 submissions from 4 submitters: Benign (1); Likely benign (3). Last evaluated 2025-05-04.

Conditions:
Hereditary cancer-predisposing syndrome. Also called: Hereditary neoplastic syndrome; Hereditary Cancer Syndrome; Neoplastic Syndromes, Hereditary; Tumor predisposition. Identifiers: Orphanet 140162, MedGen C0027672, MeSH D009386, MONDO:0015356.
Peutz-Jeghers syndrome (PJS). Also called: Peutz-Jeghers polyposis; Periorificial lentiginosis syndrome; POLYPOSIS, HAMARTOMATOUS INTESTINAL; POLYPS-AND-SPOTS SYNDROME. Identifiers: Orphanet 2869, MedGen C0031269, MeSH D010580, MONDO:0008280, OMIM 175200.

Allele frequency attached by ClinVar (database versions not stated): gnomAD exomes below 0.00001 and 0.00001; TOPMed 0.00001.
gnomAD v4.1: 9 of 1,612,930 alleles (0.00056%); highest among the groups gnomAD compares: Admixed American, 0.0017%; no homozygotes.

Submissions (4):

Labcorp Genetics (formerly Invitae), Labcorp
Classification: Likely benign for Peutz-Jeghers syndrome. Last evaluated: 2025-05-04. Review status: criteria provided, single submitter. Criteria: Invitae Variant Classification Sherloc (09022015). Collection method: clinical testing. Allele origin: germline.

Myriad Genetics, Inc.
Classification: Benign for Peutz-Jeghers syndrome. Last evaluated: 2025-03-25. Review status: criteria provided, single submitter. Criteria: Myriad Autosomal Dominant, Autosomal Recessive and X-Linked Classification Criteria (2023). Collection method: clinical testing. Allele origin: unknown.
Comment: This variant is considered benign. This variant is a silent/synonymous amino acid change and it is not expected to impact splicing.

All of Us Research Program, National Institutes of Health
Classification: Likely benign for Peutz-Jeghers syndrome. Last evaluated: 2023-07-22. Review status: criteria provided, single submitter. Criteria: ACMG Guidelines, 2015. Collection method: clinical testing. Allele origin: germline. Inheritance: Autosomal dominant inheritance. Observed: 1 variant allele, 1 heterozygote.
Comment: This study involves interpretation of variants in research participants for the purpose of population health screening. Participant phenotype was not available at the time of variant classification. Additional details can be found in publication PMID: 35346344, PMCID: PMC8962531

Ambry Genetics
Classification: Likely benign for Hereditary cancer-predisposing syndrome. Last evaluated: 2022-03-16. Review status: criteria provided, single submitter. Criteria: Ambry Variant Classification Scheme 2023. Collection method: clinical testing. Allele origin: germline.

NM_000455.5(STK11):c.231C>G (p.Val77=)

Gene: STK11 (serine/threonine kinase 11; plus strand). Cytogenetic location: 19p13.3.
Variant type: single nucleotide variant.
Coding change: c.231C>G on transcript NM_000455.5 (MANE Select); coding-DNA position 231, C replaced by G.
Protein change: p.Val77=; no amino-acid change (valine 77 retained).
Molecular consequence: synonymous variant.
Genome position (GRCh38, 1-based): chr19:1,207,144, C>G. VCF-style: chr19-1207144-C-G. GRCh37 (hg19) VCF-style: chr19-1207143-C-G.
Identifiers: ClinVar variation 1608828 (VCV001608828.12), dbSNP rs1438805544, ClinGen allele CA504706317.